The following is an entry in ClinVar:

ClinVar aggregate classification (germline): Uncertain significance (1 of 4 stars; one submission).

Conditions:
MAGEL2-related disorder. Also called: MAGEL2-related condition.

Submission:

PreventionGenetics, part of Exact Sciences
Classification: Uncertain significance for MAGEL2-related condition. Last evaluated: 2025-04-15. Review status: criteria provided, single submitter. Criteria: ACMG Guidelines, 2015. Collection method: clinical testing. Allele origin: germline.
Comment: The MAGEL2 c.316G>A variant is predicted to result in the amino acid substitution p.Gly106Arg. To our knowledge, this variant has not been reported in the literature. This variant is reported in 0.0044% of alleles in individuals of South Asian descent in gnomAD. At this time, the clinical significance of this variant is uncertain due to the absence of conclusive functional and genetic evidence.

NM_019066.5(MAGEL2):c.316G>A (p.Gly106Arg)

Gene: MAGEL2 (MAGE family member L2; minus strand). Cytogenetic location: 15q11.2.
Variant type: single nucleotide variant.
Coding change: c.316G>A on transcript NM_019066.5 (MANE Select); coding-DNA position 316, G replaced by A.
Protein change: p.Gly106Arg; replaces glycine 106 with arginine.
Molecular consequence: missense variant.
Genome position (GRCh38, 1-based): chr15:23,647,427, C>T on the plus strand (G>A on the coding strand, the complement: MAGEL2 is on the minus strand). VCF-style: chr15-23647427-C-T. GRCh37 (hg19) VCF-style: chr15-23892574-C-T.
Other names: short protein forms G106R.
Identifiers: ClinVar variation 4998304 (VCV004998304.1).
Genomic context (GRCh38, chr15:23,647,427, plus strand): 5'-CCGGGGTCGGAGGCTGGGCCATCGGGGCTCCCGGAGGTGGAGGATGCACCATCAGGACCC[C>T]GGGAGTCGGAGGCTTACCCATCGGGCCCCCCAGCGGGGGAGCCGGGACTATCGGGCCCCC-3'
Protein context (NP_061939.3, residues 96-116): GGPMGKPPTP[Gly106Arg]VLMVHPPPPG